The following is an entry in ClinVar:

ClinVar aggregate classification (germline): Uncertain significance (1 of 4 stars; one submission).

Conditions:
Hereditary cancer-predisposing syndrome. Also called: Tumor predisposition; Hereditary neoplastic syndrome; Hereditary Cancer Syndrome; Neoplastic Syndromes, Hereditary. Identifiers: Orphanet 140162, MedGen C0027672, MeSH D009386, MONDO:0015356.

Submission:

Ambry Genetics
Classification: Uncertain significance for Hereditary cancer-predisposing syndrome. Last evaluated: 2023-12-04. Review status: criteria provided, single submitter. Criteria: Ambry Variant Classification Scheme 2023. Collection method: clinical testing. Allele origin: germline.
Comment: The p.I83V variant (also known as c.247A>G), located in coding exon 2 of the MSH3 gene, results from an A to G substitution at nucleotide position 247. The isoleucine at codon 83 is replaced by valine, an amino acid with highly similar properties. This amino acid position is conserved. In addition, this alteration is predicted to be tolerated by in silico analysis. Since supporting evidence is limited at this time, the clinical significance of this alteration remains unclear.

NM_002439.5(MSH3):c.247A>G (p.Ile83Val)

Gene: MSH3 (mutS homolog 3; plus strand). Cytogenetic location: 5q14.1.
Variant type: single nucleotide variant.
Coding change: c.247A>G on transcript NM_002439.5 (MANE Select); coding-DNA position 247, A replaced by G.
Protein change: p.Ile83Val; replaces isoleucine 83 with valine.
Molecular consequence: missense variant.
Genome position (GRCh38, 1-based): chr5:80,656,420, A>G. VCF-style: chr5-80656420-A-G. GRCh37 (hg19) VCF-style: chr5-79952239-A-G.
Other names: short protein forms I83V.
Identifiers: ClinVar variation 3222269 (VCV003222269.1), dbSNP rs2546712111, ClinGen allele CA360266120.
Genomic context (GRCh38, chr5:80,656,420, plus strand): 5'-GGCCTTCTCAGAGTAGAGATAACACATCATTTTCTAACCTTCCCGATATAGGCTACAGAA[A>G]TTGACAGAAGAAAGAAGAGACCATTGGAAAATGATGGGCCTGTTAAAAAGAAAGTAAAGA-3'
Protein context (NP_002430.3, residues 73-93): PQLPPHIATE[Ile83Val]DRRKKRPLEN